The following is an entry in ClinVar:

NM_024494.3(WNT2B):c.799C>T (p.Arg267Ter)

Gene: WNT2B (Wnt family member 2B; plus strand). Cytogenetic location: 1p13.2.
Variant type: single nucleotide variant.
Coding change: c.799C>T on transcript NM_024494.3 (MANE Select); coding-DNA position 799, C replaced by T.
Protein change: p.Arg267Ter; replaces arginine 267 with a stop codon.
Molecular consequence: nonsense.
Genome position (GRCh38, 1-based): chr1:112,517,238, C>T. VCF-style: chr1-112517238-C-T. GRCh37 (hg19) VCF-style: chr1-113059860-C-T.
Other names: c.523C>T, p.Arg175Ter (NM_001291880.1); c.742C>T, p.Arg248Ter (NM_004185.4); short protein forms R175*, R248*, R267*.
Identifiers: ClinVar variation 2796114 (VCV002796114.3), dbSNP rs751768052, ClinGen allele CA1008355.

ClinVar aggregate classification (germline): Pathogenic (1 of 4 stars; one submission).

Allele frequency attached by ClinVar (database versions not stated): gnomAD exomes below 0.00001; TOPMed below 0.00001; ExAC 0.00001.
gnomAD v4.1: 2 of 1,614,198 alleles (0.00012%); highest among the groups gnomAD compares: Non-Finnish European, 0.00017%; no homozygotes.

Submission:

Labcorp Genetics (formerly Invitae), Labcorp
Classification: Pathogenic. Last evaluated: 2024-01-06. Review status: criteria provided, single submitter. Criteria: Invitae Variant Classification Sherloc (09022015). Collection method: clinical testing. Allele origin: germline.
Comment: This sequence change creates a premature translational stop signal (p.Arg267*) in the WNT2B gene. It is expected to result in an absent or disrupted protein product. Loss-of-function variants in WNT2B are known to be pathogenic (PMID: 33526876). This variant is present in population databases (rs751768052, gnomAD 0.0009%). This variant has not been reported in the literature in individuals affected with WNT2B-related conditions. For these reasons, this variant has been classified as Pathogenic.

Literature cited by the submitters: PubMed 33526876.